The following is an entry in ClinVar:

NM_001128178.3(NPHP1):c.762G>A (p.Ala254=)

Gene: NPHP1 (nephrocystin 1; minus strand). Cytogenetic location: 2q13.
Variant type: single nucleotide variant.
Coding change: c.762G>A on transcript NM_001128178.3 (MANE Select); coding-DNA position 762, G replaced by A.
Protein change: p.Ala254=; no amino-acid change (alanine 254 retained).
Molecular consequence: synonymous variant.
Genome position (GRCh38, 1-based): chr2:110,164,697, C>T on the plus strand (G>A on the coding strand, the complement: NPHP1 is on the minus strand). VCF-style: chr2-110164697-C-T. GRCh37 (hg19) VCF-style: chr2-110922274-C-T.
Other names: c.762G>A, p.Ala254= (NM_000272.5, NM_001374256.1, NM_001374257.1 and 1 more transcripts); c.576G>A, p.Ala192= (NM_001128179.3); c.762G>A (NM_000272.3).
Identifiers: ClinVar variation 4705110 (VCV004705110.2).

ClinVar aggregate classification (germline): Likely benign. Review status: criteria provided, multiple submitters, no conflicts (2 of 4 stars). 2 submissions from 2 submitters: Likely benign (2). Last evaluated 2025-10-15.

Conditions:
NPHP1-related disorder. Also called: NPHP1-related condition; NPHP1-related disorders.
Nephronophthisis. Also called: Juvenile Nephronophthisis. Identifiers: Orphanet 655, MedGen C0687120, MONDO:0019005, HP:0000090.

gnomAD v4.1: 3 of 1,614,040 alleles (0.00019%); highest among the groups gnomAD compares: Admixed American, 0.0017%; no homozygotes.

Submissions (2):

Labcorp Genetics (formerly Invitae), Labcorp
Classification: Likely benign for Nephronophthisis. Last evaluated: 2025-10-15. Review status: criteria provided, single submitter. Criteria: Invitae Variant Classification Sherloc (09022015). Collection method: clinical testing. Allele origin: germline.

PreventionGenetics, part of Exact Sciences
Classification: Likely benign for NPHP1-related condition. Last evaluated: 2024-11-27. Review status: criteria provided, single submitter. Criteria: ACMG Guidelines, 2015. Collection method: clinical testing. Allele origin: germline.
Comment: This variant is classified as likely benign based on ACMG/AMP sequence variant interpretation guidelines (Richards et al. 2015 PMID: 25741868, with internal and published modifications).